The following is an entry in ClinVar:

ClinVar aggregate classification (germline): Likely benign (1 of 4 stars; one submission).

Submission:

Women's Health and Genetics/Laboratory Corporation of America, LabCorp
Classification: Likely benign. Last evaluated: 2024-11-19. Review status: criteria provided, single submitter. Criteria: LabCorp Variant Classification Summary - May 2015. Collection method: clinical testing. Allele origin: germline.
Comment: Variant summary: TTN c.67998G>A alters a non-conserved nucleotide resulting in a synonymous change. Consensus agreement among computation tools predict no significant impact on normal splicing. However, these predictions have yet to be confirmed by functional studies. The variant was absent in 247380 control chromosomes. The available data on variant occurrences in the general population are insufficient to allow any conclusion about variant significance. To our knowledge, no occurrence of c.67998G>A in individuals affected with TTN-related conditions and no experimental evidence demonstrating its impact on protein function have been reported. No submitters have cited clinical-significance assessments for this variant to ClinVar. Based on the evidence outlined above, the variant was classified as likely benign.

NM_001267550.2(TTN):c.75702G>A (p.Gly25234=)

Genes: TTN (titin; minus strand), TTN-AS1 (TTN antisense RNA 1; plus strand). Cytogenetic location: 2q31.2.
Variant type: single nucleotide variant.
Coding change: c.75702G>A on transcript NM_001267550.2 (MANE Select); coding-DNA position 75702, G replaced by A.
Protein change: p.Gly25234=; no amino-acid change (glycine 25234 retained).
Molecular consequence: synonymous variant.
Genome position (GRCh38, 1-based): chr2:178,570,430, C>T on the plus strand (G>A on the coding strand, the complement: TTN is on the minus strand). VCF-style: chr2-178570430-C-T. GRCh37 (hg19) VCF-style: chr2-179435157-C-T.
Other names: c.70779G>A, p.Gly23593= (NM_001256850.1); c.48507G>A, p.Gly16169= (NM_003319.4); c.67998G>A, p.Gly22666= (NM_133378.4); c.48882G>A, p.Gly16294= (NM_133432.3); c.49083G>A, p.Gly16361= (NM_133437.4).
Identifiers: ClinVar variation 3630015 (VCV003630015.1).